The following is an entry in ClinVar:

NM_001142864.4(PIEZO1):c.7381G>A (p.Glu2461Lys)

Gene: PIEZO1 (piezo type mechanosensitive ion channel component 1 (Er blood group); minus strand). Cytogenetic location: 16q24.3.
Variant type: single nucleotide variant.
Coding change: c.7381G>A on transcript NM_001142864.4 (MANE Select); coding-DNA position 7381, G replaced by A.
Protein change: p.Glu2461Lys; replaces glutamic acid 2461 with lysine.
Molecular consequence: missense variant.
Genome position (GRCh38, 1-based): chr16:88,715,790, C>T on the plus strand (G>A on the coding strand, the complement: PIEZO1 is on the minus strand). VCF-style: chr16-88715790-C-T. GRCh37 (hg19) VCF-style: chr16-88782198-C-T.
Other names: c.7381G>A, p.Glu2461Lys (LRG_1137t1); short protein forms E2461K.
Identifiers: ClinVar variation 499285 (VCV000499285.44), dbSNP rs371391349, ClinGen allele CA8231329.

ClinVar aggregate classification (germline): Conflicting classifications of pathogenicity. Review status: criteria provided, conflicting classifications (1 of 4 stars). 7 submissions from 7 submitters: Uncertain significance (3); Benign (1); Likely benign (3). Last evaluated 2026-08-12.

Conditions:
PIEZO1-related disorder. Also called: PIEZO1-related condition; PIEZO1-Related Disorders.

Allele frequency attached by ClinVar (database versions not stated): gnomAD 0.00007 and 0.00034; TOPMed 0.00021; gnomAD exomes 0.00049 and 0.00129; ExAC 0.00225; 1000 Genomes Project 30x 0.00297; 1000 Genomes Project 0.00319.
gnomAD v4.1: 739 of 1,550,338 alleles (0.048%); highest among the groups gnomAD compares: South Asian, 0.7%; 8 homozygotes.

Submissions (7):

PreventionGenetics, part of Exact Sciences
Classification: Likely benign for PIEZO1-related condition. Last evaluated: 2026-08-12. Review status: criteria provided, single submitter. Criteria: ACMG Guidelines, 2015. Collection method: clinical testing. Allele origin: germline.
Comment: This variant is classified as likely benign based on ACMG/AMP sequence variant interpretation guidelines (Richards et al. 2015 PMID: 25741868, with internal and published modifications).

CeGaT Center for Human Genetics Tuebingen
Classification: Benign. Last evaluated: 2026-08-01. Review status: criteria provided, single submitter. Criteria: CeGaT Center For Human Genetics Tuebingen Variant Classification Criteria Version 2. Collection method: clinical testing. Allele origin: germline. Affected: yes. Observed: 2 variant alleles.
Comment: PIEZO1: BS1, BS2

Labcorp Genetics (formerly Invitae), Labcorp
Classification: Likely benign. Last evaluated: 2025-12-30. Review status: criteria provided, single submitter. Criteria: Invitae Variant Classification Sherloc (09022015). Collection method: clinical testing. Allele origin: germline.

Mayo Clinic Laboratories, Mayo Clinic
Classification: Uncertain significance. Last evaluated: 2025-06-17. Review status: criteria provided, single submitter. Criteria: ACMG Guidelines, 2015. Collection method: clinical testing. Allele origin: germline. Observed: 3 variant alleles.
Comment: BP4

Blueprint Genetics
Classification: Likely benign. Last evaluated: 2024-11-07. Review status: criteria provided, single submitter. Criteria: ACMG Guidelines, 2015. Collection method: clinical testing. Allele origin: germline.

ARUP Laboratories, Molecular Genetics and Genomics, ARUP Laboratories
Classification: Uncertain significance. Last evaluated: 2017-11-27. Review status: criteria provided, single submitter. Criteria: ARUP Molecular Germline Variant Investigation Process. Collection method: clinical testing. Allele origin: germline.

Eurofins Ntd Llc (ga)
Classification: Uncertain significance. Last evaluated: 2016-12-27. Review status: criteria provided, single submitter. Criteria: EGL Classification Definitions 2015. Collection method: clinical testing. Allele origin: germline. Observed: 2 variant alleles, 2 heterozygotes.

Literature cited by the submitters: PubMed 31401766 (cited by Mayo Clinic Laboratories, Mayo Clinic); PubMed 32112123 (cited by Mayo Clinic Laboratories, Mayo Clinic).